The following is an entry in ClinVar:

NC_000015.9:g.(?_50849354)_(50978995_?)dup

Gene: TRPM7 (transient receptor potential cation channel subfamily M member 7; minus strand). Cytogenetic location: 15q21.2.
Variant type: Duplication.
Identifiers: ClinVar variation 4853781 (VCV004853781.1).

ClinVar aggregate classification (germline): Uncertain significance (1 of 4 stars; one submission).

Submission:

Women's Health and Genetics/Laboratory Corporation of America, LabCorp
Classification: Uncertain significance. Last evaluated: 2026-05-19. Review status: criteria provided, single submitter. Criteria: LabCorp Variant Classification Summary - May 2015. Collection method: clinical testing. Allele origin: germline.
Comment: Variant summary: The variant involves the duplication of exons 1-39 in the TRPM7 gene. A presumed nomenclature of c.(?_-265)_(*4521_?)dup has been designated for the purposes of this classification. This duplication includes the entire coding sequence of the gene. As exact breakpoints are unknown, it may extend beyond the annotated region of the gene, to include other flanking genes. The variant was absent in 21694 control chromosomes. The available data on variant occurrences in the general population are insufficient to allow any conclusion about variant significance. To our knowledge, no occurrence of c.(?_-265)_(*4521_?)dup in individuals affected with TRPM7-related conditions and no experimental evidence demonstrating its impact on protein function have been reported. No submitters have cited clinical-significance assessments for this variant to ClinVar. Based on the evidence outlined above, the variant was classified as uncertain significance.